The following is an entry in ClinVar:

NM_000545.8(HNF1A):c.142G>A (p.Glu48Lys)

Gene: HNF1A (HNF1 homeobox A; plus strand). Cytogenetic location: 12q24.31.
Variant type: single nucleotide variant.
Coding change: c.142G>A on transcript NM_000545.8 (MANE Select); coding-DNA position 142, G replaced by A.
Protein change: p.Glu48Lys; replaces glutamic acid 48 with lysine.
Molecular consequence: missense variant.
Genome position (GRCh38, 1-based): chr12:120,978,910, G>A. VCF-style: chr12-120978910-G-A. GRCh37 (hg19) VCF-style: chr12-121416713-G-A.
Other names: NM_001306179.1:c.142G>A; c.142G>A, p.Glu48Lys (NM_001306179.2); short protein forms E48K.
Identifiers: ClinVar variation 806957 (VCV000806957.31), dbSNP rs772222326, ClinGen allele CA6831670.
Genomic context (GRCh38, chr12:120,978,910, plus strand): 5'-CAGGCACTGGGTGAGCCGGGGCCCTACCTCCTGGCTGGAGAAGGCCCCCTGGACAAGGGG[G>A]AGTCCTGCGGCGGCGGTCGAGGGGAGCTGGCTGAGCTGCCCAATGGGCTGGGGGAGACTC-3'
Protein context (NP_000536.6, residues 38-58): LAGEGPLDKG[Glu48Lys]SCGGGRGELA

ClinVar aggregate classification (germline): Likely benign. Review status: reviewed by expert panel (3 of 4 stars). 8 submissions from 8 submitters: Likely benign (1). 7 of the submissions do not count toward it. Last evaluated 2022-04-08.

Conditions:
Monogenic diabetes. Identifiers: Orphanet 183625, MedGen C3888631, MONDO:0015967.
Maturity-onset diabetes of the young (MODY). Also called: Maturity onset diabetes mellitus in young. Identifiers: Orphanet 552, MedGen C0342276, MONDO:0018911, HP:0004904.

Allele frequency attached by ClinVar (database versions not stated): gnomAD 0.00008 and 0.00009; gnomAD exomes 0.00009 and 0.00013; TOPMed 0.00009; ExAC 0.00016.
gnomAD v4.1: 196 of 1,612,500 alleles (0.012%); highest among the groups gnomAD compares: Non-Finnish European, 0.015%; no homozygotes.

Submissions (8):

ClinGen Monogenic Diabetes Variant Curation Expert Panel
Classification: Likely benign for Monogenic diabetes. Last evaluated: 2022-04-08. Review status: reviewed by expert panel. Criteria: ClinGen Diabetes ACMG Specifications v1 1. Collection method: curation. Allele origin: germline. Inheritance: Autosomal dominant inheritance.
Comment: The c.142G>A variant in the HNF1 homeobox A gene, HNF1A, causes an amino acid change of glutamine to lysine at codon 48 (p.(Glu48Lys)) of NM_000545.8. This variant has a Popmax Filtering allele frequency in gnomAD 2.1.1 of 0.00009, which is greater than the MDEP threshold for BS1 (greater than or equal to 0.000033) (BS1). Functional studies demonstrated the p.Glu48Lys protein has normal nuclear localization, indicating that this variant does not impact protein function (BS3_Supporting; PMID: 27899486). This variant was identified in at least 5 unrelated individuals with diabetes, but members of at least two families had evidence of autoimmunity; also, the variant does not meet the PM2_Supporting cutoff (PMID: 15928245, internal lab contributor). Therefore, PS4 could not be applied. This variant was not identified in any individuals with calculated MODY probability >=50%; therefore, PP4 could not be applied. In summary, c.142G>A meets the criteria to be classified as likely benign for monogenic diabetes. ACMG/AMP criteria applied, as specified by the ClinGen MDEP (specification version 1.1, approved 9/30/21): BS1, BS3_Supporting.

Labcorp Genetics (formerly Invitae), Labcorp
Classification: Benign. Last evaluated: 2026-01-20. Review status: criteria provided, single submitter. Criteria: Invitae Variant Classification Sherloc (09022015). Collection method: clinical testing. Allele origin: germline. Not counted in ClinVar's aggregate classification.

Women's Health and Genetics/Laboratory Corporation of America, LabCorp
Classification: Likely benign. Last evaluated: 2025-01-23. Review status: criteria provided, single submitter. Criteria: LabCorp Variant Classification Summary - May 2015. Collection method: clinical testing. Allele origin: germline. Not counted in ClinVar's aggregate classification.
Comment: Variant summary: HNF1A c.142G>A (p.Glu48Lys) results in a conservative amino acid change in the encoded protein sequence. Three of five in-silico tools predict a damaging effect of the variant on protein function. The variant allele was found at a frequency of 0.00012 in 1612500 control chromosomes, predominantly at a frequency of 0.00015 within the Non-Finnish European subpopulation in the gnomAD database. The observed variant frequency within Non-Finnish European control individuals in the gnomAD database is approximately 6 fold of the estimated maximal expected allele frequency for a pathogenic variant in HNF1A causing Maturity Onset Diabetes Of The Young 3 phenotype (2.5e-05). c.142G>A has been reported in the literature in individuals affected with diabetes, however definitive causal association with the disorder and this variant were unclear (e.g., Gal_2021, Johansen_2005, Juszczak_2019, Moller_1998, Thanabalasingham_2013). These report(s) do not provide unequivocal conclusions about association of the variant with Maturity Onset Diabetes Of The Young 3. At least one publication reports experimental evidence evaluating an impact on protein function, with the most pronounced variant effects resulting in 61% of normal trancriptional activity and 75% of normal nuclear localization compared to wild type (Najmi_2017). The following publications have been ascertained in the context of this evaluation (PMID: 34440499, 15928245, 30455330, 9867222, 27899486, 23274891). ClinVar contains an entry for this variant (Variation ID: 806957). Based on the evidence outlined above, the variant was classified as likely benign.

Blueprint Genetics
Classification: Likely benign. Last evaluated: 2024-09-25. Review status: criteria provided, single submitter. Criteria: ACMG Guidelines, 2015. Collection method: clinical testing. Allele origin: germline. Not counted in ClinVar's aggregate classification.

Institute for Clinical Genetics, University Hospital TU Dresden, University Hospital TU Dresden
Classification: Uncertain significance. Last evaluated: 2021-11-03. Review status: criteria provided, single submitter. Criteria: ACMG Guidelines, 2015. Collection method: clinical testing. Allele origin: germline. Not counted in ClinVar's aggregate classification.

GeneDx
Classification: Likely benign. Last evaluated: 2021-03-18. Review status: criteria provided, single submitter. Criteria: GeneDx Variant Classification Process June 2021. Collection method: clinical testing. Allele origin: germline. Affected: yes. Not counted in ClinVar's aggregate classification.
Comment: In silico analysis supports that this missense variant does not alter protein structure/function; This variant is associated with the following publications: (PMID: 32910913, 15928245, 27899486, 9867222, 24097065, 23274891, 30455330)

Personalized Diabetes Medicine Program, University of Maryland School of Medicine
Classification: Uncertain significance for Monogenic diabetes. Last evaluated: 2019-01-25. Review status: criteria provided, single submitter. Criteria: ACMG Guidelines, 2015. Collection method: research. Allele origin: unknown. Observed: 1 variant allele, 1 heterozygote. Not counted in ClinVar's aggregate classification.
Comment: ACMG criteria: BS1 (0.00016 in EurNF gnomAD population); variant found in PMIDs: 15928245 and 9867222, patients in which do not have clear HNF1A MODY phenotype and authors did not look at many genes= VUS (REVEL 0.691 + PP3/6 predictors + BP4/3 predictors= conflicting evidence, not using)

Clinical Genomics, Uppaluri K&H Personalized Medicine Clinic
Classification: Uncertain significance for Maturity-onset diabetes of the young. Review status: criteria provided, single submitter. Criteria: K & H Uppaluri Personalized Medicine Clinic Variant Classification & Assertion Criteria_Updated V.1. Collection method: research. Allele origin: unknown. Inheritance: Autosomal dominant inheritance. Not counted in ClinVar's aggregate classification.
Comment: Mutations in HNF1A gene can predispose to MODY3. It is associated with both micro and macrovascular complications of diabetes, especially cardiovascular complications. Associated with glucosuria. May respond well to sulfonylureas. Sufficient evidence is found to confer the association of this particular variant rs772222326 with MODY3.

Literature cited by the submitters: PubMed 9867222 (cited by Women's Health and Genetics/Laboratory Corporation of America, LabCorp and Personalized Diabetes Medicine Program, University of Maryland School of Medicine); PubMed 15928245 (cited by Women's Health and Genetics/Laboratory Corporation of America, LabCorp and Personalized Diabetes Medicine Program, University of Maryland School of Medicine); PubMed 27899486 (cited by Women's Health and Genetics/Laboratory Corporation of America, LabCorp and Clinical Genomics, Uppaluri K&H Personalized Medicine Clinic); PubMed 30455330 (cited by Women's Health and Genetics/Laboratory Corporation of America, LabCorp); PubMed 34440499 (cited by Women's Health and Genetics/Laboratory Corporation of America, LabCorp); PubMed 23274891 (cited by Women's Health and Genetics/Laboratory Corporation of America, LabCorp).